The following is an entry in ClinVar:

ClinVar aggregate classification (germline): Uncertain significance. Review status: criteria provided, multiple submitters, no conflicts (2 of 4 stars). 2 submissions from 2 submitters: Uncertain significance (2). Last evaluated 2025-09-12.

Allele frequency attached by ClinVar (database versions not stated): gnomAD exomes 0.00002; ExAC 0.00003; TOPMed 0.00003; gnomAD 0.00005.
gnomAD v4.1: 34 of 1,614,108 alleles (0.0021%); highest among the groups gnomAD compares: Middle Eastern, 0.066%; no homozygotes.

Submissions (2):

Labcorp Genetics (formerly Invitae), Labcorp
Classification: Uncertain significance. Last evaluated: 2025-09-12. Review status: criteria provided, single submitter. Criteria: Invitae Variant Classification Sherloc (09022015). Collection method: clinical testing. Allele origin: germline.
Comment: This sequence change replaces arginine, which is basic and polar, with cysteine, which is neutral and slightly polar, at codon 1172 of the MYO6 protein (p.Arg1172Cys). This variant is present in population databases (rs752568854, gnomAD 0.02%). This variant has not been reported in the literature in individuals affected with MYO6-related conditions. ClinVar contains an entry for this variant (Variation ID: 1254038). Invitae Evidence Modeling of protein sequence and biophysical properties (such as structural, functional, and spatial information, amino acid conservation, physicochemical variation, residue mobility, and thermodynamic stability) indicates that this missense variant is not expected to disrupt MYO6 protein function with a negative predictive value of 80%. In summary, the available evidence is currently insufficient to determine the role of this variant in disease. Therefore, it has been classified as a Variant of Uncertain Significance.

GeneDx
Classification: Uncertain significance. Last evaluated: 2025-07-18. Review status: criteria provided, single submitter. Criteria: GeneDx Variant Classification Process June 2021. Collection method: clinical testing. Allele origin: germline. Affected: yes.
Comment: In silico analysis supports that this missense variant has a deleterious effect on protein structure/function; Has not been previously published as pathogenic or benign to our knowledge

NM_004999.4(MYO6):c.3514C>T (p.Arg1172Cys)

Gene: MYO6 (myosin VI; plus strand). Cytogenetic location: 6q14.1.
Variant type: single nucleotide variant.
Coding change: c.3514C>T on transcript NM_004999.4 (MANE Select); coding-DNA position 3514, C replaced by T.
Protein change: p.Arg1172Cys; replaces arginine 1172 with cysteine.
Molecular consequence: missense variant. On other transcripts: non-coding transcript variant (1).
Genome position (GRCh38, 1-based): chr6:75,914,137, C>T. VCF-style: chr6-75914137-C-T. GRCh37 (hg19) VCF-style: chr6-76623854-C-T.
Other names: c.3445C>T, p.Arg1149Cys (NM_001300899.2); c.3418C>T, p.Arg1140Cys (NM_001368136.1); c.3475C>T, p.Arg1159Cys (NM_001368137.1); c.3430C>T, p.Arg1144Cys (NM_001368138.1); c.3541C>T, p.Arg1181Cys (NM_001368865.1); c.3514C>T, p.Arg1172Cys (NM_001368866.1); short protein forms R1140C, R1144C, R1149C, R1159C, R1172C, R1181C.
Identifiers: ClinVar variation 1254038 (VCV001254038.5), dbSNP rs752568854, ClinGen allele CA3897749.